The following is an entry in ClinVar:

ClinVar aggregate classification (germline): Uncertain significance (1 of 4 stars; one submission).

Conditions:
Surfactant metabolism dysfunction, pulmonary, 4 (SMDP4). Also called: CSF2RA DEFICIENCY; PAP DUE TO CSF2RA DEFICIENCY; PULMONARY ALVEOLAR PROTEINOSIS, CONGENITAL, 4. Identifiers: Orphanet 264675, MedGen C2677877, MONDO:0010424, OMIM 300770.

Allele frequency attached by ClinVar (database versions not stated): gnomAD exomes 0.00001; TOPMed 0.00002; gnomAD 0.00003.
gnomAD v4.1: 11 of 1,613,332 alleles (0.00068%); highest among the groups gnomAD compares: African/African-American, 0.0013%; no homozygotes.

Submission:

Labcorp Genetics (formerly Invitae), Labcorp
Classification: Uncertain significance for Surfactant metabolism dysfunction, pulmonary, 4. Last evaluated: 2024-09-06. Review status: criteria provided, single submitter. Criteria: Invitae Variant Classification Sherloc (09022015). Collection method: clinical testing. Allele origin: germline.
Comment: This sequence change replaces proline, which is neutral and non-polar, with leucine, which is neutral and non-polar, at codon 166 of the CSF2RA protein (p.Pro166Leu). This variant is not present in population databases (gnomAD no frequency). This variant has not been reported in the literature in individuals affected with CSF2RA-related conditions. ClinVar contains an entry for this variant (Variation ID: 1945619). Invitae Evidence Modeling of protein sequence and biophysical properties (such as structural, functional, and spatial information, amino acid conservation, physicochemical variation, residue mobility, and thermodynamic stability) indicates that this missense variant is not expected to disrupt CSF2RA protein function with a negative predictive value of 80%. In summary, the available evidence is currently insufficient to determine the role of this variant in disease. Therefore, it has been classified as a Variant of Uncertain Significance.

NM_172245.4(CSF2RA):c.497C>T (p.Pro166Leu)

Gene: CSF2RA (colony stimulating factor 2 receptor subunit alpha; plus strand). Cytogenetic location: Xp22.33.
Variant type: single nucleotide variant.
Coding change: c.497C>T on transcript NM_172245.4 (MANE Select); coding-DNA position 497, C replaced by T.
Protein change: p.Pro166Leu; replaces proline 166 with leucine.
Molecular consequence: missense variant. On other transcripts: non-coding transcript variant (1).
Genome position (GRCh38, 1-based): chrX:1,290,360, C>T. VCF-style: chrX-1290360-C-T. GRCh37 (hg19) VCF-style: chrX-1409253-C-T.
Other names: c.497C>T, p.Pro166Leu (NM_001161529.2, NM_001161530.2, NM_001161531.2 and 21 more transcripts); c.98C>T, p.Pro33Leu (NM_001161532.2); short protein forms P33L, P166L.
Identifiers: ClinVar variation 1945619 (VCV001945619.4), dbSNP rs1309888844, ClinGen allele CA412235526.
Genomic context (GRCh38, chrX:1,290,360, plus strand): 5'-TTCCTGATTGCTCTCTGAGCACTTTCTAATCTTTCAGGAGAAGGAGGGAGATCCGGTGTC[C>T]TTATTACATACAAGACTCAGGAACCCATGTGGGATGTCACCTGGATAACCTGTCAGGATT-3'
Protein context (NP_758448.1, residues 156-176): NSKRRREIRC[Pro166Leu]YYIQDSGTHV